The following is an entry in ClinVar:

ClinVar aggregate classification (germline): Uncertain significance (1 of 4 stars; one submission).

gnomAD v4.1: 1 of 1,601,710 alleles (0.000062%); no homozygotes.

Submission:

Labcorp Genetics (formerly Invitae), Labcorp
Classification: Uncertain significance. Last evaluated: 2025-12-09. Review status: criteria provided, single submitter. Criteria: Invitae Variant Classification Sherloc (09022015). Collection method: clinical testing. Allele origin: germline.
Comment: This sequence change replaces aspartic acid, which is acidic and polar, with glutamic acid, which is acidic and polar, at codon 299 of the CARD8 protein (p.Asp299Glu). This variant is not present in population databases (gnomAD no frequency). This variant has not been reported in the literature in individuals affected with CARD8-related conditions. ClinVar contains an entry for this variant (Variation ID: 2998789). An algorithm developed to predict the effect of missense changes on protein structure and function outputs the following: PolyPhen-2: "Benign". The glutamic acid amino acid residue is found in multiple mammalian species, which suggests that this missense change does not adversely affect protein function. In summary, the available evidence is currently insufficient to determine the role of this variant in disease. Therefore, it has been classified as a Variant of Uncertain Significance.

NM_001184900.3(CARD8):c.1047T>A (p.Asp349Glu)

Gene: CARD8 (caspase recruitment domain family member 8; minus strand). Cytogenetic location: 19q13.33.
Variant type: single nucleotide variant.
Coding change: c.1047T>A on transcript NM_001184900.3 (MANE Select); coding-DNA position 1047, T replaced by A.
Protein change: p.Asp349Glu; replaces aspartic acid 349 with glutamic acid.
Molecular consequence: missense variant. On other transcripts: non-coding transcript variant (3).
Genome position (GRCh38, 1-based): chr19:48,221,844, A>T on the plus strand (T>A on the coding strand, the complement: CARD8 is on the minus strand). VCF-style: chr19-48221844-A-T. GRCh37 (hg19) VCF-style: chr19-48725101-A-T.
Other names: c.897T>A, p.Asp299Glu (NM_001184901.1, NM_001351783.2, NM_001351788.2 and 2 more transcripts); c.1047T>A, p.Asp349Glu (NM_001184902.2, NM_001184903.1, NM_001351782.2); c.732T>A, p.Asp244Glu (NM_001351784.2, NM_001351787.2, NM_001351791.2 and 1 more transcripts); c.711T>A, p.Asp237Glu (NM_001351786.2); c.804T>A, p.Asp268Glu (NM_001351790.2); c.729T>A, p.Asp243Glu (NM_001365950.1); c.222T>A, p.Asp74Glu (NM_001426741.1); short protein forms D74E, D299E, D237E, D244E, D268E, D349E, D243E.
Identifiers: ClinVar variation 2998789 (VCV002998789.3), dbSNP rs1323343895, ClinGen allele CA406665390.